The following is an entry in ClinVar:

NM_000368.5(TSC1):c.2626-4del

Gene: TSC1 (TSC complex subunit 1; minus strand). Cytogenetic location: 9q34.13.
Variant type: Deletion.
Coding change: c.2626-4del on transcript NM_000368.5 (MANE Select); 4 bases into the intron before coding-DNA position 2626, one base deleted (T; older notation c.2626-4delT).
Molecular consequence: intron variant.
Genome position (GRCh38, 1-based): chr9:132,897,614, A deleted on the plus strand (T on the coding strand, the reverse complement: TSC1 is on the minus strand); the first of 18 consecutive A bases (chr9:132,897,614-132,897,631); deleting any one gives the same sequence. VCF-style (leftmost placement, unchanged base first): chr9-132897613-GA-G. GRCh37 (hg19) VCF-style: chr9-135773000-GA-G.
Other names: p.?; c.2263-4del (NM_001362177.2); c.2473-4del (NM_001162427.2); c.2623-4del (NM_001162426.2); c.2626-4delT (NM_000368.4, NM_000368.5); c.2626-4del (NM_000368.4).
Identifiers: ClinVar variation 48983 (VCV000048983.28), dbSNP rs5901000, ClinGen allele CA006747.

ClinVar aggregate classification (germline): Conflicting classifications of pathogenicity. Review status: criteria provided, conflicting classifications (1 of 4 stars). 17 submissions from 17 submitters: Uncertain significance (1); Benign (11); Likely benign (2). 3 of the submissions do not count toward it. Last evaluated 2026-01-16.

Conditions:
Hereditary cancer-predisposing syndrome. Also called: Tumor predisposition; Neoplastic Syndromes, Hereditary; Hereditary neoplastic syndrome; Hereditary Cancer Syndrome. Identifiers: Orphanet 140162, MedGen C0027672, MeSH D009386, MONDO:0015356.
Tuberous sclerosis syndrome (TSC). Also called: Tuberous Sclerosis Complex; Tuberous sclerosis. Identifiers: Orphanet 805, MedGen C0041341, MONDO:0001734.
Tuberous sclerosis 1 (TSC1). Identifiers: Orphanet 805, MedGen C1854465, MONDO:0008612, OMIM 191100.

Submissions (17):

Labcorp Genetics (formerly Invitae), Labcorp
Classification: Benign for Tuberous sclerosis 1. Last evaluated: 2026-01-16. Review status: criteria provided, single submitter. Criteria: Invitae Variant Classification Sherloc (09022015). Collection method: clinical testing. Allele origin: germline.

Color Diagnostics, LLC DBA Color Health
Classification: Likely benign for Tuberous sclerosis syndrome. Last evaluated: 2025-07-14. Review status: criteria provided, single submitter. Criteria: ACMG Guidelines, 2015. Collection method: clinical testing. Allele origin: germline.

Quest Diagnostics Nichols Institute San Juan Capistrano
Classification: Benign. Last evaluated: 2025-06-19. Review status: criteria provided, single submitter. Criteria: Quest Diagnostics criteria. Collection method: clinical testing. Allele origin: unknown.

Myriad Genetics, Inc.
Classification: Benign for Tuberous sclerosis 1. Last evaluated: 2025-04-28. Review status: criteria provided, single submitter. Criteria: Myriad Autosomal Dominant, Autosomal Recessive and X-Linked Classification Criteria (2023). Collection method: clinical testing. Allele origin: unknown.
Comment: This variant is considered benign. This variant is intronic and is not expected to impact mRNA splicing.

Department of Pathology and Laboratory Medicine, Sinai Health System
Classification: Benign for tuberous sclerosis. Last evaluated: 2025-02-04. Review status: criteria provided, single submitter. Criteria: ACMG Guidelines, 2015. Collection method: clinical testing. Allele origin: germline.

Blueprint Genetics
Classification: Likely benign. Last evaluated: 2024-11-27. Review status: criteria provided, single submitter. Criteria: ACMG Guidelines, 2015. Collection method: clinical testing. Allele origin: germline.

All of Us Research Program, National Institutes of Health
Classification: Uncertain significance for Tuberous sclerosis syndrome. Last evaluated: 2024-01-11. Review status: criteria provided, single submitter. Criteria: ACMG Guidelines, 2015. Collection method: clinical testing. Allele origin: germline. Inheritance: Autosomal dominant inheritance. Observed: 1 variant allele, 1 heterozygote.
Comment: This study involves interpretation of variants in research participants for the purpose of population health screening. Participant phenotype was not available at the time of variant classification. Additional details can be found in publication PMID: 35346344, PMCID: PMC8962531

Molecular Genetics, Royal Melbourne Hospital
Classification: Benign for Tuberous sclerosis 1. Last evaluated: 2023-03-30. Review status: criteria provided, single submitter. Criteria: ACMG Guidelines, 2015. Collection method: clinical testing. Allele origin: germline. Affected: no.
Comment: Population allele frequency is 19% (rs118203716, 22,767/119,574 alleles in gnomAD v2.1). Based on the classification scheme RMH ACMG Guidelines v1.1.1, this variant is classified as Benign. Following criteria is met: BA1.

Mayo Clinic Laboratories, Mayo Clinic
Classification: Benign. Last evaluated: 2022-03-10. Review status: criteria provided, single submitter. Criteria: ACMG Guidelines, 2015. Collection method: clinical testing. Allele origin: germline. Observed: 508 variant alleles.

Genome-Nilou Lab
Classification: Benign for Tuberous sclerosis 1. Last evaluated: 2021-11-07. Review status: criteria provided, single submitter. Criteria: ACMG Guidelines, 2015. Collection method: clinical testing. Allele origin: germline. Affected: no.

Ambry Genetics
Classification: Benign for Hereditary cancer-predisposing syndrome. Last evaluated: 2020-07-06. Review status: criteria provided, single submitter. Criteria: Ambry Variant Classification Scheme 2023. Collection method: clinical testing. Allele origin: germline.

Sema4
Classification: Benign for Hereditary cancer-predisposing syndrome. Last evaluated: 2019-12-09. Review status: criteria provided, single submitter. Criteria: Sema4 Curation Guidelines. Collection method: curation. Allele origin: germline.

GeneDx
Classification: Benign. Last evaluated: 2018-06-12. Review status: criteria provided, single submitter. Criteria: GeneDx Variant Classification Process June 2021. Collection method: clinical testing. Allele origin: germline. Affected: yes.

Women's Health and Genetics/Laboratory Corporation of America, LabCorp
Classification: Benign. Last evaluated: 2016-05-26. Review status: criteria provided, single submitter. Criteria: LabCorp Variant Classification Summary - May 2015. Collection method: clinical testing. Allele origin: germline.
Comment: Variant summary: The TSC1 c.2626-4delT variant involves the alteration of a non-conserved intronic nucleotide with 5/5 splice prediction tools predicting no significant effect on splicing. The variant of interest was observed in the large, broad control population, ExAC, with an allele frequency of 22671/80186 (1 homozygote, 1/3, frequency: 0.2827302), which significantly exceeds the estimated maximal expected allele frequency for a pathogenic TSC1 variant of 1/40000(0.000025), suggesting this variant is likely a benign polymorphism. Therefore, the variant of interest has been classified as Benign.

Clinical Genetics DNA and cytogenetics Diagnostics Lab, Erasmus MC, Erasmus Medical Center
Classification: Benign. Review status: no assertion criteria provided. Collection method: clinical testing. Allele origin: germline. Affected: yes. Study: VKGL Data-share Consensus. Not counted in ClinVar's aggregate classification.

Laboratory of Diagnostic Genome Analysis, Leiden University Medical Center (LUMC)
Classification: Benign. Review status: no assertion criteria provided. Collection method: clinical testing. Allele origin: germline. Affected: yes. Study: VKGL Data-share Consensus. Not counted in ClinVar's aggregate classification.

Tuberous sclerosis database (TSC1)
No classification provided. Condition: TSC. Review status: no classification provided. Criteria: Tuberous Sclerosis Database Assertion Criteria 2015. Collection method: curation. Allele origin: germline. Affected: yes. Not counted in ClinVar's aggregate classification.